The following is an entry in ClinVar:

ClinVar aggregate classification (germline): Uncertain significance (1 of 4 stars; one submission).

Conditions:
TTN-related disorder. Also called: TTN-related disorders; TTN-related condition; TTN-related disease.

gnomAD v4.1: 81 of 1,613,426 alleles (0.005%); highest among the groups gnomAD compares: Non-Finnish European, 0.0066%; no homozygotes.

Submission:

PreventionGenetics, part of Exact Sciences
Classification: Uncertain significance for TTN-related condition. Last evaluated: 2026-08-31. Review status: criteria provided, single submitter. Criteria: ACMG Guidelines, 2015. Collection method: clinical testing. Allele origin: germline.
Comment: The TTN c.104674A>G variant is predicted to result in the amino acid substitution p.Ser34892Gly. To our knowledge, this variant has not been reported in the literature. This variant is reported in 0.0036% of alleles in individuals of European (non-Finnish) descent in gnomAD. At this time, the clinical significance of this variant is uncertain due to the absence of conclusive functional and genetic evidence.

NM_001267550.2(TTN):c.104674A>G (p.Ser34892Gly)

Genes: TTN (titin; minus strand), TTN-AS1 (TTN antisense RNA 1; plus strand). Cytogenetic location: 2q31.2.
Variant type: single nucleotide variant.
Coding change: c.104674A>G on transcript NM_001267550.2 (MANE Select); coding-DNA position 104674, A replaced by G.
Protein change: p.Ser34892Gly; replaces serine 34892 with glycine.
Molecular consequence: missense variant.
Genome position (GRCh38, 1-based): chr2:178,531,941, T>C on the plus strand (A>G on the coding strand, the complement: TTN is on the minus strand). VCF-style: chr2-178531941-T-C. GRCh37 (hg19) VCF-style: chr2-179396668-T-C.
Other names: c.99751A>G, p.Ser33251Gly (NM_001256850.1); c.77479A>G, p.Ser25827Gly (NM_003319.4); c.96970A>G, p.Ser32324Gly (NM_133378.4); c.77854A>G, p.Ser25952Gly (NM_133432.3); c.78055A>G, p.Ser26019Gly (NM_133437.4); short protein forms S32324G, S25952G, S34892G, S25827G, S26019G, S33251G.
Identifiers: ClinVar variation 4984606 (VCV004984606.1).
Genomic context (GRCh38, chr2:178,531,941, plus strand): 5'-CATACCTGGAAAAGATATCAAATCTTGCAGACCTCTCAAATCTCGAGAGTGATCTCTCAC[T>C]AGACACAGGGCTGGGGGATCGTGGGCGAGTTCTCTCTGGAGTAGGTGACCTTCTTTCTGT-3'
Protein context (NP_001254479.2, residues 34882-34902): TRPRSPSPVS[Ser34892Gly]ERSLSRFERS